The following is an entry in ClinVar:

NM_005709.4(USH1C):c.1220G>C (p.Gly407Ala)

Gene: USH1C (USH1 protein network component harmonin; minus strand). Cytogenetic location: 11p15.1.
Variant type: single nucleotide variant.
Coding change: c.1220G>C on transcript NM_005709.4 (MANE Plus Clinical); coding-DNA position 1220, G replaced by C.
Protein change: p.Gly407Ala; replaces glycine 407 with alanine.
Molecular consequence: missense variant. On other transcripts: intron variant (1).
Genome position (GRCh38, 1-based): chr11:17,517,465, C>G on the plus strand (G>C on the coding strand, the complement: USH1C is on the minus strand). VCF-style: chr11-17517465-C-G. GRCh37 (hg19) VCF-style: chr11-17539012-C-G.
Other names: c.1163G>C, p.Gly388Ala (NM_001297764.2); c.1211-1175G>C (NM_153676.4); short protein forms G407A, G388A.
Identifiers: ClinVar variation 878540 (VCV000878540.7), dbSNP rs143923730, ClinGen allele CA5904676.

ClinVar aggregate classification (germline): Uncertain significance. Review status: criteria provided, multiple submitters, no conflicts (2 of 4 stars). 4 submissions from 4 submitters: Uncertain significance (4). Last evaluated 2022-10-18.

Conditions:
Usher syndrome type 1C. Also called: USHER SYNDROME, TYPE I, ACADIAN VARIETY. Identifiers: Orphanet 231169, Orphanet 886, MedGen C1848604, MONDO:0010171, OMIM 276904.

Allele frequency attached by ClinVar (database versions not stated): ESP Exome Variant Server 0.00008; TOPMed 0.00004.
gnomAD v4.1: 117 of 1,592,628 alleles (0.0073%); highest among the groups gnomAD compares: Non-Finnish European, 0.0098%; no homozygotes.

Submissions (4):

GeneDx
Classification: Uncertain significance. Last evaluated: 2022-10-18. Review status: criteria provided, single submitter. Criteria: GeneDx Variant Classification Process June 2021. Collection method: clinical testing. Allele origin: germline. Affected: yes.
Comment: In silico analysis supports that this missense variant does not alter protein structure/function; Has not been previously published as pathogenic or benign to our knowledge

Labcorp Genetics (formerly Invitae), Labcorp
Classification: Uncertain significance. Last evaluated: 2022-10-17. Review status: criteria provided, single submitter. Criteria: Invitae Variant Classification Sherloc (09022015). Collection method: clinical testing. Allele origin: germline.
Comment: This sequence change replaces glycine, which is neutral and non-polar, with alanine, which is neutral and non-polar, at codon 407 of the USH1C protein (p.Gly407Ala). This variant is present in population databases (rs143923730, gnomAD 0.009%). This variant has not been reported in the literature in individuals affected with USH1C-related conditions. ClinVar contains an entry for this variant (Variation ID: 878540). Algorithms developed to predict the effect of missense changes on protein structure and function (SIFT, PolyPhen-2, Align-GVGD) all suggest that this variant is likely to be tolerated. In summary, the available evidence is currently insufficient to determine the role of this variant in disease. Therefore, it has been classified as a Variant of Uncertain Significance.

Blueprint Genetics
Classification: Uncertain significance. Last evaluated: 2020-05-15. Review status: criteria provided, single submitter. Criteria: ACMG Guidelines, 2015. Collection method: clinical testing. Allele origin: germline.

Illumina Laboratory Services, Illumina
Classification: Uncertain significance for Usher syndrome type 1C. Last evaluated: 2018-01-12. Review status: criteria provided, single submitter. Criteria: ICSL Variant Classification Criteria 13 December 2019. Collection method: clinical testing. Allele origin: germline.